The following is an entry in ClinVar:

NM_018341.3(ERMARD):c.1395-209C>T

Gene: ERMARD (ER membrane associated RNA degradation; plus strand). Cytogenetic location: 6q27.
Variant type: single nucleotide variant.
Coding change: c.1395-209C>T on transcript NM_018341.3 (MANE Select); 209 bases into the intron before coding-DNA position 1395, C replaced by T.
Molecular consequence: intron variant.
Genome position (GRCh38, 1-based): chr6:169,775,731, C>T. VCF-style: chr6-169775731-C-T. GRCh37 (hg19) VCF-style: chr6-170175827-C-T.
Other names: c.1395-209C>T (NM_001278531.2, NM_001278533.2); c.1017-209C>T (NM_001278532.2).
Identifiers: ClinVar variation 681670 (VCV000681670.1), dbSNP rs184347489, ClinGen allele CA152150967.

ClinVar aggregate classification (germline): Likely benign (1 of 4 stars; one submission).

Allele frequency attached by ClinVar (database versions not stated): 1000 Genomes Project 0.00180; 1000 Genomes Project 30x 0.00281; TOPMed 0.00710; gnomAD 0.00883 and 0.00915; gnomAD exomes 0.01023.
gnomAD v4.1: 6,361 of 642,936 alleles (0.99%); highest among the groups gnomAD compares: Non-Finnish European, 1.3%; 37 homozygotes.

Submission:

GeneDx
Classification: Likely benign. Last evaluated: 2018-06-19. Review status: criteria provided, single submitter. Criteria: GeneDx Variant Classification (06012015). Collection method: clinical testing. Allele origin: germline. Affected: yes.
Comment: This variant is considered likely benign or benign based on one or more of the following criteria: it is a conservative change, it occurs at a poorly conserved position in the protein, it is predicted to be benign by multiple in silico algorithms, and/or has population frequency not consistent with disease.